The following is an entry in ClinVar:

NM_020975.6(RET):c.2234A>G (p.His745Arg)

Gene: RET (ret proto-oncogene; plus strand). Cytogenetic location: 10q11.21.
Variant type: single nucleotide variant.
Coding change: c.2234A>G on transcript NM_020975.6 (MANE Select); coding-DNA position 2234, A replaced by G.
Protein change: p.His745Arg; replaces histidine 745 with arginine.
Molecular consequence: missense variant.
Genome position (GRCh38, 1-based): chr10:43,116,681, A>G. VCF-style: chr10-43116681-A-G. GRCh37 (hg19) VCF-style: chr10-43612129-A-G.
Other names: c.2234A>G, p.His745Arg (NM_000323.2, NM_001406743.1, NM_001406744.1 and 4 more transcripts); c.1472A>G, p.His491Arg (NM_001355216.2); c.2105A>G, p.His702Arg (NM_001406761.1, NM_001406762.1, NM_001406764.1); c.2099A>G, p.His700Arg (NM_001406763.1, NM_001406765.1); c.1946A>G, p.His649Arg (NM_001406766.1, NM_001406767.1, NM_001406770.1); c.1970A>G, p.His657Arg (NM_001406768.1); c.1838A>G, p.His613Arg (NM_001406769.1, NM_001406772.1); c.1796A>G, p.His599Arg (NM_001406771.1, NM_001406773.1); and 10 more; short protein forms H745R, H491R, H401R, H403R, H446R, H503R, H613R, H310R.
Identifiers: ClinVar variation 820949 (VCV000820949.15), dbSNP rs534094626, ClinGen allele CA206263731.
Genomic context (GRCh38, chr10:43,116,681, plus strand): 5'-TTCTTGGAAAAACTCTAGGAGAAGGCGAATTTGGAAAAGTGGTCAAGGCAACGGCCTTCC[A>G]TCTGAAAGGCAGAGCAGGGTACACCACGGTGGCCGTGAAGATGCTGAAAGGTACCTGCCA-3'
Protein context (NP_066124.1, residues 735-755): FGKVVKATAF[His745Arg]LKGRAGYTTV

ClinVar aggregate classification (germline): Conflicting classifications of pathogenicity. Review status: criteria provided, conflicting classifications (1 of 4 stars). 2 submissions from 2 submitters: Uncertain significance (1); Likely benign (1). Last evaluated 2026-01-19.

Conditions:
Multiple endocrine neoplasia, type 2 (MEN2). Identifiers: Orphanet 653, MedGen C4048306, MONDO:0019003. Disease mechanism: gain of function.
Hereditary cancer-predisposing syndrome. Also called: Neoplastic Syndromes, Hereditary; Tumor predisposition; Hereditary Cancer Syndrome; Hereditary neoplastic syndrome. Identifiers: Orphanet 140162, MedGen C0027672, MeSH D009386, MONDO:0015356.

gnomAD v4.1: 2 of 1,612,618 alleles (0.00012%); highest among the groups gnomAD compares: Non-Finnish European, 0.00017%; no homozygotes.

Submissions (2):

Labcorp Genetics (formerly Invitae), Labcorp
Classification: Uncertain significance for Multiple endocrine neoplasia, type 2. Last evaluated: 2026-01-19. Review status: criteria provided, single submitter. Criteria: Invitae Variant Classification Sherloc (09022015). Collection method: clinical testing. Allele origin: germline.
Comment: This sequence change replaces histidine, which is basic and polar, with arginine, which is basic and polar, at codon 745 of the RET protein (p.His745Arg). This variant is not present in population databases (gnomAD no frequency). This variant has not been reported in the literature in individuals affected with RET-related conditions. ClinVar contains an entry for this variant (Variation ID: 820949). An algorithm developed to predict the effect of missense changes on protein structure and function outputs the following: PolyPhen-2: "Benign". The arginine amino acid residue is found in multiple mammalian species, which suggests that this missense change does not adversely affect protein function. In summary, the available evidence is currently insufficient to determine the role of this variant in disease. Therefore, it has been classified as a Variant of Uncertain Significance.

Ambry Genetics
Classification: Likely benign for Hereditary cancer-predisposing syndrome. Last evaluated: 2018-06-26. Review status: criteria provided, single submitter. Criteria: Ambry Variant Classification Scheme 2023. Collection method: clinical testing. Allele origin: germline.